The following is an entry in ClinVar:

NM_004656.4(BAP1):c.860C>T (p.Ser287Leu)

Gene: BAP1 (BRCA1 associated deubiquitinase 1; minus strand). Cytogenetic location: 3p21.1.
Variant type: single nucleotide variant.
Coding change: c.860C>T on transcript NM_004656.4 (MANE Select); coding-DNA position 860, C replaced by T.
Protein change: p.Ser287Leu; replaces serine 287 with leucine.
Molecular consequence: missense variant.
Genome position (GRCh38, 1-based): chr3:52,405,836, G>A on the plus strand (C>T on the coding strand, the complement: BAP1 is on the minus strand). VCF-style: chr3-52405836-G-A. GRCh37 (hg19) VCF-style: chr3-52439852-G-A.
Other names: short protein forms S287L.
Identifiers: ClinVar variation 628600 (VCV000628600.13), dbSNP rs1270986936, ClinGen allele CA353106726.

ClinVar aggregate classification (germline): Conflicting classifications of pathogenicity. Review status: criteria provided, conflicting classifications (1 of 4 stars). 3 submissions from 3 submitters: Uncertain significance (2); Likely benign (1). Last evaluated 2025-11-09.

Conditions:
BAP1-related tumor predisposition syndrome (TPDS1). Also called: Tumor susceptibility linked to germline BAP1 mutations; BAP1 tumor predisposition syndrome; TUMOR PREDISPOSITION SYNDROME 1; COMMON Syndrome. Identifiers: Orphanet 289539, MedGen C3280492, MONDO:0013692, OMIM 614327.
Hereditary cancer-predisposing syndrome. Also called: Neoplastic Syndromes, Hereditary; Tumor predisposition; Hereditary neoplastic syndrome; Hereditary Cancer Syndrome. Identifiers: Orphanet 140162, MedGen C0027672, MeSH D009386, MONDO:0015356.

Allele frequency attached by ClinVar (database versions not stated): gnomAD 0.00001; gnomAD exomes 0.00001; TOPMed 0.00001.
gnomAD v4.1: 5 of 1,614,010 alleles (0.00031%); highest among the groups gnomAD compares: African/African-American, 0.0067%; no homozygotes.

Submissions (3):

Labcorp Genetics (formerly Invitae), Labcorp
Classification: Uncertain significance for BAP1-related tumor predisposition syndrome. Last evaluated: 2025-11-09. Review status: criteria provided, single submitter. Criteria: Invitae Variant Classification Sherloc (09022015). Collection method: clinical testing. Allele origin: germline.
Comment: This sequence change replaces serine, which is neutral and polar, with leucine, which is neutral and non-polar, at codon 287 of the BAP1 protein (p.Ser287Leu). This variant is present in population databases (no rsID available, gnomAD 0.02%). This variant has not been reported in the literature in individuals affected with BAP1-related conditions. ClinVar contains an entry for this variant (Variation ID: 628600). Invitae Evidence Modeling of protein sequence and biophysical properties (such as structural, functional, and spatial information, amino acid conservation, physicochemical variation, residue mobility, and thermodynamic stability) indicates that this missense variant is not expected to disrupt BAP1 protein function with a negative predictive value of 80%. In summary, the available evidence is currently insufficient to determine the role of this variant in disease. Therefore, it has been classified as a Variant of Uncertain Significance.

Color Diagnostics, LLC DBA Color Health
Classification: Uncertain significance for Hereditary cancer-predisposing syndrome. Last evaluated: 2023-12-05. Review status: criteria provided, single submitter. Criteria: ACMG Guidelines, 2015. Collection method: clinical testing. Allele origin: germline.
Comment: This missense variant replaces serine with leucine at codon 287 of the BAP1 protein. Computational prediction suggests that this variant may not impact protein structure and function (internally defined REVEL score threshold <= 0.5, PMID: 27666373). To our knowledge, functional studies have not been reported for this variant. This variant has not been reported in individuals affected with BAP1-related disorders in the literature. This variant has been identified in 3/251418 chromosomes in the general population by the Genome Aggregation Database (gnomAD). The available evidence is insufficient to determine the role of this variant in disease conclusively. Therefore, this variant is classified as a Variant of Uncertain Significance.

Ambry Genetics
Classification: Likely benign for Hereditary cancer-predisposing syndrome. Last evaluated: 2022-04-19. Review status: criteria provided, single submitter. Criteria: Ambry Variant Classification Scheme 2023. Collection method: clinical testing. Allele origin: germline.